The following is an entry in ClinVar:

ClinVar aggregate classification (germline): Uncertain significance. Review status: criteria provided, multiple submitters, no conflicts (2 of 4 stars). 2 submissions from 2 submitters: Uncertain significance (2). Last evaluated 2024-03-11.

Conditions:
5-Oxoprolinase deficiency (OPLAHD). Also called: 5-OXOPROLINURIA DUE TO 5-OXOPROLINASE DEFICIENCY. Identifiers: Orphanet 33572, MedGen C0268525, MONDO:0009825, OMIM 260005, HP:0040142.

Allele frequency attached by ClinVar (database versions not stated): ExAC 0.00003; TOPMed 0.00003; gnomAD 0.00004; gnomAD exomes 0.00004; ESP Exome Variant Server 0.00008.
gnomAD v4.1: 58 of 1,571,558 alleles (0.0037%); highest among the groups gnomAD compares: Non-Finnish European, 0.0049%; no homozygotes.

Submissions (2):

Ambry Genetics
Classification: Uncertain significance. Last evaluated: 2024-03-11. Review status: criteria provided, single submitter. Criteria: Ambry Variant Classification Scheme 2023. Collection method: clinical testing. Allele origin: germline.

Labcorp Genetics (formerly Invitae), Labcorp
Classification: Uncertain significance for 5-Oxoprolinase deficiency. Last evaluated: 2022-03-04. Review status: criteria provided, single submitter. Criteria: Invitae Variant Classification Sherloc (09022015). Collection method: clinical testing. Allele origin: germline.
Comment: This sequence change replaces isoleucine, which is neutral and non-polar, with valine, which is neutral and non-polar, at codon 761 of the OPLAH protein (p.Ile761Val). This variant is present in population databases (rs375100059, gnomAD 0.006%). This variant has not been reported in the literature in individuals affected with OPLAH-related conditions. Algorithms developed to predict the effect of missense changes on protein structure and function are either unavailable or do not agree on the potential impact of this missense change (SIFT: "Not Available"; PolyPhen-2: "Benign"; Align-GVGD: "Not Available"). In summary, the available evidence is currently insufficient to determine the role of this variant in disease. Therefore, it has been classified as a Variant of Uncertain Significance.

NM_017570.5(OPLAH):c.2281A>G (p.Ile761Val)

Gene: OPLAH (5-oxoprolinase, ATP-hydrolysing; minus strand). Cytogenetic location: 8q24.3.
Variant type: single nucleotide variant.
Coding change: c.2281A>G on transcript NM_017570.5 (MANE Select); coding-DNA position 2281, A replaced by G.
Protein change: p.Ile761Val; replaces isoleucine 761 with valine.
Molecular consequence: missense variant.
Genome position (GRCh38, 1-based): chr8:144,055,157, T>C on the plus strand (A>G on the coding strand, the complement: OPLAH is on the minus strand). VCF-style: chr8-144055157-T-C. GRCh37 (hg19) VCF-style: chr8-145110060-T-C.
Other names: c.2281A>G (NM_017570.3); short protein forms I761V.
Identifiers: ClinVar variation 2139474 (VCV002139474.2), dbSNP rs375100059, ClinGen allele CA4931513.